The following is an entry in ClinVar:

ClinVar aggregate classification (germline): Uncertain significance (0 of 4 stars; one submission).

Conditions:
AKAP9-related disorder. Also called: AKAP9-related condition.

Submission:

PreventionGenetics, part of Exact Sciences
Classification: Uncertain significance for AKAP9-related condition. Last evaluated: 2024-02-01. Review status: no assertion criteria provided. Collection method: clinical testing. Allele origin: germline.
Comment: The AKAP9 c.10273_10275delCAA variant is predicted to result in an in-frame deletion (p.Gln3425del). To our knowledge, this variant has not been reported in the literature. This variant is reported in 0.0062% of alleles in individuals of African descent in gnomAD. At this time, the clinical significance of this variant is uncertain due to the absence of conclusive functional and genetic evidence.

NM_005751.5(AKAP9):c.10270CAA[1] (p.Gln3425del)

Gene: AKAP9 (A-kinase anchoring protein 9; plus strand). Cytogenetic location: 7q21.2.
Variant type: Microsatellite.
Coding change: c.10270CAA[1] on transcript NM_005751.5 (MANE Select); one copy of the 3-base unit CAA starting at c.10270; the reference has two copies in a row; one copy, 3 bases deleted.
Protein change: p.Gln3425del; deletes glutamine 3425.
Molecular consequence: inframe indel (on NM_005751.4).
Genome position (GRCh38, 1-based): chr7:92,097,232-92,097,234, CAA deleted; deleting any 3 consecutive bases within chr7:92,097,228-92,097,234 gives the same sequence; the position shown is the placement nearest the transcript's 3' end. VCF-style (leftmost placement, unchanged base first): chr7-92097227-GACA-G. GRCh37 (hg19) VCF-style: chr7-91726541-GACA-G.
Other names: c.4915CAA[1], p.Gln1640del (NM_001379277.1); c.10270_10272CAA[1], p.Gln3425del (NM_005751.4); c.10246CAA[1], p.Gln3417del (NM_147185.3); c.10273_10275delCAA (NM_005751.4); short protein forms Q1640del, Q3417del, Q3425del.
Identifiers: ClinVar variation 3047903 (VCV003047903.2), dbSNP rs765469584, ClinGen allele CA4337915.